The following is an entry in ClinVar:

NM_001267550.2(TTN):c.67057+4A>G

Genes: TTN-AS1 (TTN antisense RNA 1; plus strand), TTN (titin; minus strand). Cytogenetic location: 2q31.2.
Variant type: single nucleotide variant.
Coding change: c.67057+4A>G on transcript NM_001267550.2 (MANE Select); 4 bases into the intron after coding-DNA position 67057, A replaced by G.
Molecular consequence: intron variant.
Genome position (GRCh38, 1-based): chr2:178,580,318, T>C on the plus strand (A>G on the coding strand, the complement: TTN is on the minus strand). VCF-style: chr2-178580318-T-C. GRCh37 (hg19) VCF-style: chr2-179445045-T-C.
Other names: c.39862+4A>G (NM_003319.4); c.40438+4A>G (NM_133437.4); c.40237+4A>G (NM_133432.3); c.59353+4A>G (NM_133378.4); c.62134+4A>G (NM_001256850.1).
Identifiers: ClinVar variation 4785332 (VCV004785332.1).

ClinVar aggregate classification (germline): Uncertain significance (1 of 4 stars; one submission).

Conditions:
Autosomal recessive limb-girdle muscular dystrophy type 2J (LGMDR10). Also called: Limb-girdle muscular dystrophy, type 2J; MUSCULAR DYSTROPHY, LIMB-GIRDLE, AUTOSOMAL RECESSIVE 10. Identifiers: Orphanet 140922, MedGen C1837342, MONDO:0012127, OMIM 608807.
Dilated cardiomyopathy 1G (CMD1G). Identifiers: Orphanet 154, MedGen C1858763, MONDO:0011400, OMIM 604145.

Submission:

Labcorp Genetics (formerly Invitae), Labcorp
Classification: Uncertain significance for Dilated cardiomyopathy 1G; Autosomal recessive limb-girdle muscular dystrophy type 2J. Last evaluated: 2025-06-23. Review status: criteria provided, single submitter. Criteria: Invitae Variant Classification Sherloc (09022015). Collection method: clinical testing. Allele origin: germline.
Comment: This sequence change falls in intron 317 of the TTN gene. It does not directly change the encoded amino acid sequence of the TTN protein. It affects a nucleotide within the consensus splice site. This variant is not present in population databases (gnomAD no frequency). This variant has not been reported in the literature in individuals affected with TTN-related conditions. Variants that disrupt the consensus splice site are a relatively common cause of aberrant splicing (PMID: 17576681, 9536098). Algorithms developed to predict the effect of sequence changes on RNA splicing suggest that this variant is not likely to affect RNA splicing. This variant is located in the A band of TTN (PMID: 25589632). Variants in this region may be relevant for cardiac or neuromuscular disorders (PMID: 25589632, 23975875). In summary, the available evidence is currently insufficient to determine the role of this variant in disease. Therefore, it has been classified as a Variant of Uncertain Significance.

Literature cited by the submitters: PubMed 17576681; PubMed 9536098; PubMed 25589632; PubMed 23975875.